The following is an entry in ClinVar:

NM_001267550.2(TTN):c.5534T>G (p.Leu1845Trp)

Gene: TTN (titin; minus strand). Cytogenetic location: 2q31.2.
Variant type: single nucleotide variant.
Coding change: c.5534T>G on transcript NM_001267550.2 (MANE Select); coding-DNA position 5534, T replaced by G.
Protein change: p.Leu1845Trp; replaces leucine 1845 with tryptophan.
Molecular consequence: missense variant.
Genome position (GRCh38, 1-based): chr2:178,776,330, A>C on the plus strand (T>G on the coding strand, the complement: TTN is on the minus strand). VCF-style: chr2-178776330-A-C. GRCh37 (hg19) VCF-style: chr2-179641057-A-C.
Other names: p.L1845W:TTG>TGG; c.5396T>G, p.Leu1799Trp (NM_003319.4, NM_133432.3, NM_133437.4); c.5534T>G, p.Leu1845Trp (NM_133378.4, NM_133379.5, NM_001256850.1); short protein forms L1845W, L1799W.
Identifiers: ClinVar variation 203135 (VCV000203135.2), dbSNP rs794729576, ClinGen allele CA311379.
Genomic context (GRCh38, chr2:178,776,330, plus strand): 5'-GTTACCCTGCAGCGGAACCTTGCAGTCTCCCCTTCAAGTACTCTAACTGGCTCTGGGTAC[A>C]AGACAATGTCTGGCTTTTGCTTTTCTTTCTGATCTGTTGTTACACCTGTAAGTGCACCTT-3'
Protein context (NP_001254479.2, residues 1835-1855): QKEKQKPDIV[Leu1845Trp]YPEPVRVLEG

ClinVar aggregate classification (germline): Uncertain significance (1 of 4 stars; one submission).

Submission:

GeneDx
Classification: Uncertain significance. Last evaluated: 2014-03-26. Review status: criteria provided, single submitter. Criteria: GeneDx Variant Classification (06012015). Collection method: clinical testing. Allele origin: germline. Affected: yes.
Comment: Missense variants in the TTN gene are considered 'unclassified' if they are not previously reported in the literature and do not have >1% frequency in the population to be considered a polymorphism. Research indicates that truncating mutations in the TTN gene are expected to account for approximately 25% of familial and 18% of sporadic idiopathic DCM; however, truncating variants in the TTN gene have been reported in approximately 3% of reported control alleles. There has been little investigation into non-truncating variants. (Herman D et al. Truncations of titin causing dilated cardiomyopathy. N Eng J Med 366:619-628, 2012) The variant is found in CARDIOMYOPATHY panel(s).